The following is an entry in ClinVar:

ClinVar aggregate classification (germline): Uncertain significance (1 of 4 stars; one submission).

Conditions:
Autosomal recessive severe congenital neutropenia due to CSF3R deficiency. Also called: Neutropenia, severe congenital, 7, autosomal recessive. Identifiers: Orphanet 420702, MedGen C4310764, MONDO:0014865, OMIM 617014.

Allele frequency attached by ClinVar (database versions not stated): gnomAD exomes 0.00001.
gnomAD v4.1: 12 of 1,614,116 alleles (0.00074%); highest among the groups gnomAD compares: Non-Finnish European, 0.001%; no homozygotes.

Submission:

Labcorp Genetics (formerly Invitae), Labcorp
Classification: Uncertain significance for Autosomal recessive severe congenital neutropenia due to CSF3R deficiency. Last evaluated: 2022-12-15. Review status: criteria provided, single submitter. Criteria: Invitae Variant Classification Sherloc (09022015). Collection method: clinical testing. Allele origin: germline.
Comment: This sequence change replaces lysine, which is basic and polar, with arginine, which is basic and polar, at codon 556 of the CSF3R protein (p.Lys556Arg). This variant is not present in population databases (gnomAD no frequency). This variant has not been reported in the literature in individuals affected with CSF3R-related conditions. Advanced modeling of protein sequence and biophysical properties (such as structural, functional, and spatial information, amino acid conservation, physicochemical variation, residue mobility, and thermodynamic stability) performed at Invitae indicates that this missense variant is not expected to disrupt CSF3R protein function. In summary, the available evidence is currently insufficient to determine the role of this variant in disease. Therefore, it has been classified as a Variant of Uncertain Significance.

NM_000760.4(CSF3R):c.1667A>G (p.Lys556Arg)

Gene: CSF3R (colony stimulating factor 3 receptor; minus strand). Cytogenetic location: 1p34.3.
Variant type: single nucleotide variant.
Coding change: c.1667A>G on transcript NM_000760.4 (MANE Select); coding-DNA position 1667, A replaced by G.
Protein change: p.Lys556Arg; replaces lysine 556 with arginine.
Molecular consequence: missense variant.
Genome position (GRCh38, 1-based): chr1:36,468,131, T>C on the plus strand (A>G on the coding strand, the complement: CSF3R is on the minus strand). VCF-style: chr1-36468131-T-C. GRCh37 (hg19) VCF-style: chr1-36933732-T-C.
Other names: c.1667A>G, p.Lys556Arg (NM_156039.3, NM_172313.3); short protein forms K556R.
Identifiers: ClinVar variation 2819913 (VCV002819913.3), dbSNP rs2521740370, ClinGen allele CA339418236.
Genomic context (GRCh38, chr1:36,468,131, plus strand): 5'-TCACAGAAGGACTGGTTCTGAGCGTTGGTCCAGAAGATGGTGTAGTGGGTAAGGGGGCTC[T>C]TCCCCAGCTCAGGGGGCTCAGGCACCCACTCCAGCTGTGCCCAGGTCTTGCCAATGTGCT-3'
Protein context (NP_000751.1, residues 546-566): EWVPEPPELG[Lys556Arg]SPLTHYTIFW